The following is an entry in ClinVar:

ClinVar aggregate classification (germline): Uncertain significance. Review status: criteria provided, single submitter (1 of 4 stars). 2 submissions from 2 submitters: Uncertain significance (1). 1 of the submissions does not count toward it. Last evaluated 2014-03-04.

Conditions:
TNF receptor-associated periodic fever syndrome (TRAPS) (FPF). Also called: Autosomal Dominant Familial Periodic Fever; TNF RECEPTOR-ASSOCIATED PERIODIC SYNDROME; TUMOR NECROSIS FACTOR RECEPTOR-ASSOCIATED PERIODIC SYNDROME; TNF Receptor-Associated Periodic Fever Syndrome; FAMILIAL HIBERNIAN FEVER; TNF receptor 1-associated periodic fever syndrome. Identifiers: Orphanet 32960, MedGen C1275126, MONDO:0007727, OMIM 142680.

Submissions (2):

GeneDx
Classification: Uncertain significance. Last evaluated: 2014-03-04. Review status: criteria provided, single submitter. Criteria: GeneDx Variant Classification (06012015). Collection method: clinical testing. Allele origin: germline. Affected: yes.
Comment: The L96P variant has been reported previously, using alternate nomenclature, in a family with features of TRAPS, including fevers, abdominal pain, and urticaria (Dode et al., 2002). The L96P variant was not observed in approximately 6,500 individuals of European and African American ancestry in the NHLBI Exome Sequencing Project, indicating it is not a common benign variant in these populations. In silico analysis predicts this variant is probably damaging to the protein structure/function. Missense mutations in nearby residues (N94I, H95L/Y) have been reported in the Human Gene Mutation Database in association with TNFRSF1A-related disorders (Stenson et al., 2009), supporting the functional importance of this region of the protein. The L96P variant is a semi-conservative amino acid substitution, which may impact secondary protein structure as these residues differ in some properties. This substitution occurs at a position that is moderately conserved across species. Therefore, based on the currently available information, it is unclear whether this variant is a pathogenic mutation or a rare benign variant.

Unité médicale des maladies autoinflammatoires, CHRU Montpellier
No classification provided. Condition: TNF receptor-associated periodic fever syndrome (TRAPS). Review status: no classification provided. Collection method: not provided. Allele origin: unknown. Not counted in ClinVar's aggregate classification.

NM_001065.4(TNFRSF1A):c.287T>C (p.Leu96Pro)

Gene: TNFRSF1A (TNF receptor superfamily member 1A; minus strand). Cytogenetic location: 12p13.31.
Variant type: single nucleotide variant.
Coding change: c.287T>C on transcript NM_001065.4 (MANE Select); coding-DNA position 287, T replaced by C.
Protein change: p.Leu96Pro; replaces leucine 96 with proline.
Molecular consequence: missense variant. On other transcripts: 5 prime UTR variant (2), non-coding transcript variant (1).
Genome position (GRCh38, 1-based): chr12:6,333,772, A>G on the plus strand (T>C on the coding strand, the complement: TNFRSF1A is on the minus strand). VCF-style: chr12-6333772-A-G. GRCh37 (hg19) VCF-style: chr12-6442938-A-G.
Other names: c.-38T>C (NM_001346091.2); c.-291T>C (NM_001346092.2); short protein forms L96P.
Identifiers: ClinVar variation 97684 (VCV000097684.2), dbSNP rs104895235, ClinGen allele CA280809.